The following is an entry in ClinVar:

ClinVar aggregate classification (germline): Likely pathogenic. Review status: criteria provided, multiple submitters, no conflicts (2 of 4 stars). 5 submissions from 5 submitters: Likely pathogenic (5). Last evaluated 2025-08-24.

Conditions:
Hereditary nonpolyposis colon cancer (HNPCC). Also called: Hereditary Nonpolyposis Colorectal Cancer Syndrome; Hereditary nonpolyposis colorectal cancer; Familial nonpolyposis colon cancer. Identifiers: Orphanet 443909, MedGen C1333990, MONDO:0018630. Disease mechanism: loss of function.
Hereditary cancer-predisposing syndrome. Also called: Tumor predisposition; Hereditary neoplastic syndrome; Hereditary Cancer Syndrome; Neoplastic Syndromes, Hereditary. Identifiers: Orphanet 140162, MedGen C0027672, MeSH D009386, MONDO:0015356.
Hereditary nonpolyposis colorectal neoplasms. Identifiers: MedGen C0009405, MeSH D003123.
Lynch syndrome 4 (LYNCH4). Also called: Colorectal cancer, hereditary nonpolyposis, type 4; Hereditary non-polyposis colorectal cancer, type 4. Identifiers: Orphanet 144, MedGen C1838333, MONDO:0013699, OMIM 614337. Disease mechanism: loss of function.

Allele frequency attached by ClinVar (database versions not stated): gnomAD exomes 0.00001; ExAC 0.00002.
gnomAD v4.1: 3 of 1,424,080 alleles (0.00021%); highest among the groups gnomAD compares: Non-Finnish European, 0.00029%; no homozygotes.

Submissions (5):

Ambry Genetics
Classification: Likely pathogenic for Hereditary cancer-predisposing syndrome. Last evaluated: 2025-08-24. Review status: criteria provided, single submitter. Criteria: Ambry Variant Classification Scheme 2023. Collection method: clinical testing. Allele origin: germline.
Comment: The c.706-2A>G intronic variant results from an A to G substitution two nucleotides upstream from coding exon 7 in the PMS2 gene. This variant is considered to be rare based on population cohorts in the Genome Aggregation Database (gnomAD). This nucleotide position is highly conserved in available vertebrate species. In silico splice site analysis predicts that this alteration will weaken the native splice acceptor site; however, direct evidence is insufficient at this time (Ambry internal data). Alterations that disrupt the canonical splice site are expected to cause aberrant splicing, resulting in an abnormal protein or a transcript that is subject to nonsense-mediated mRNA decay. As such, this alteration is classified as likely pathogenic.

Myriad Genetics, Inc.
Classification: Likely pathogenic for Lynch syndrome 4. Last evaluated: 2024-08-20. Review status: criteria provided, single submitter. Criteria: Myriad Autosomal Dominant, Autosomal Recessive and X-Linked Classification Criteria (2023). Collection method: clinical testing. Allele origin: unknown.
Comment: This variant is considered likely pathogenic. This variant occurs within a consensus splice junction and is predicted to result in abnormal mRNA splicing of either an out-of-frame exon or an in-frame exon necessary for protein stability and/or normal function.

Labcorp Genetics (formerly Invitae), Labcorp
Classification: Likely pathogenic for Hereditary nonpolyposis colorectal neoplasms. Last evaluated: 2024-06-19. Review status: criteria provided, single submitter. Criteria: Invitae Variant Classification Sherloc (09022015). Collection method: clinical testing. Allele origin: germline.
Comment: This sequence change affects an acceptor splice site in intron 6 of the PMS2 gene. RNA analysis indicates that disruption of this splice site induces altered splicing and may result in an absent or disrupted protein product. The frequency data for this variant in the population databases is considered unreliable, as metrics indicate poor data quality at this position in the gnomAD database. This variant has not been reported in the literature in individuals affected with PMS2-related conditions. ClinVar contains an entry for this variant (Variation ID: 1172908). Studies have shown that disruption of this splice site results in retention of intron 6 and skipping of all or part of exon 7 and introduces a premature termination codon (Invitae). The resulting mRNA is expected to undergo nonsense-mediated decay. In summary, the currently available evidence indicates that the variant is pathogenic, but additional data are needed to prove that conclusively. Therefore, this variant has been classified as Likely Pathogenic.

Revvity Omics, Revvity
Classification: Likely pathogenic. Last evaluated: 2023-07-18. Review status: criteria provided, single submitter. Criteria: ACMG Guidelines, 2015. Collection method: clinical testing. Allele origin: germline.

Women's Health and Genetics/Laboratory Corporation of America, LabCorp
Classification: Likely pathogenic for Hereditary nonpolyposis colon cancer. Last evaluated: 2021-06-15. Review status: criteria provided, single submitter. Criteria: LabCorp Variant Classification Summary - May 2015. Collection method: clinical testing. Allele origin: germline.
Comment: Variant summary: PMS2 c.706-2A>G is located in a canonical splice-site and is predicted to affect mRNA splicing resulting in a significantly altered protein due to either exon skipping, shortening, or inclusion of intronic material. Several computational tools predict a significant impact on normal splicing: Four predict the variant abolishes a 3 acceptor site. Two predict the variant creates/strengthen a 3' acceptor site, few nucleotides downstream of the consensus splice site. However, these predictions have yet to be confirmed by functional studies. The variant allele was found at a frequency of 7e-06 in 141916 control chromosomes (gnomAD). To our knowledge, no occurrence of c.706-2A>G in individuals affected with Hereditary Nonpolyposis Colorectal Cancer and no experimental evidence demonstrating its impact on protein function have been reported. No clinical diagnostic laboratories have submitted clinical-significance assessments for this variant to ClinVar after 2014. Based on the evidence outlined above, the variant was classified as likely pathogenic.

NM_000535.7(PMS2):c.706-2A>G

Gene: PMS2 (PMS1 homolog 2, mismatch repair system component; minus strand). Cytogenetic location: 7p22.1.
Variant type: single nucleotide variant.
Coding change: c.706-2A>G on transcript NM_000535.7 (MANE Select); the canonical splice acceptor site of the intron before coding-DNA position 706, A replaced by G.
Molecular consequence: splice acceptor variant. On other transcripts: intron variant (3).
Genome position (GRCh38, 1-based): chr7:5,997,425, T>C on the plus strand (A>G on the coding strand, the complement: PMS2 is on the minus strand). VCF-style: chr7-5997425-T-C. GRCh37 (hg19) VCF-style: chr7-6037056-T-C.
Other names: c.706-2A>G (NM_000535.5, NM_001406912.1, NM_001322006.2 and 4 more transcripts); c.388-2A>G (NM_001322008.2, NM_001406902.1, NM_001406883.1 and 4 more transcripts); c.397-2A>G (NM_001406881.1, NM_001406879.1, NM_001322015.2 and 6 more transcripts); c.301-2A>G (NM_001406895.1, NM_001322010.2, NM_001322004.2 and 19 more transcripts); c.132+5028A>G (NM_001406911.1); c.193-2A>G (NM_001406904.1, NM_001406905.1); c.133-2A>G (NM_001322013.2, NM_001406909.1); c.-228-2A>G (NM_001322012.2, NM_001322011.2); and 7 more.
Identifiers: ClinVar variation 1172908 (VCV001172908.18), dbSNP rs745487791, ClinGen allele CA051177.